The following is an entry in ClinVar:

ClinVar aggregate classification (germline): Likely benign. Review status: criteria provided, single submitter (1 of 4 stars). 2 submissions from 2 submitters: Likely benign (1). 1 of the submissions does not count toward it. Last evaluated 2023-05-12.

Conditions:
DCHS1-related disorder. Also called: DCHS1-related condition.

Allele frequency attached by ClinVar (database versions not stated): gnomAD exomes 0.00001; TOPMed 0.00003; ExAC 0.00004; gnomAD 0.00004; ESP Exome Variant Server 0.00008.
gnomAD v4.1: 23 of 1,613,826 alleles (0.0014%); highest among the groups gnomAD compares: South Asian, 0.012%; no homozygotes.

Submissions (2):

Labcorp Genetics (formerly Invitae), Labcorp
Classification: Likely benign. Last evaluated: 2023-05-12. Review status: criteria provided, single submitter. Criteria: Invitae Variant Classification Sherloc (09022015). Collection method: clinical testing. Allele origin: germline.

PreventionGenetics, part of Exact Sciences
Classification: Likely benign for DCHS1-related condition. Last evaluated: 2021-04-14. Review status: no assertion criteria provided. Collection method: clinical testing. Allele origin: germline. Not counted in ClinVar's aggregate classification.
Comment: This variant is classified as likely benign based on ACMG/AMP sequence variant interpretation guidelines (Richards et al. 2015 PMID: 25741868, with internal and published modifications).

NM_003737.4(DCHS1):c.3183C>T (p.Asp1061=)

Gene: DCHS1 (dachsous cadherin-related 1; minus strand). Cytogenetic location: 11p15.4.
Variant type: single nucleotide variant.
Coding change: c.3183C>T on transcript NM_003737.4 (MANE Select); coding-DNA position 3183, C replaced by T.
Protein change: p.Asp1061=; no amino-acid change (aspartic acid 1061 retained).
Molecular consequence: synonymous variant.
Genome position (GRCh38, 1-based): chr11:6,632,329, G>A on the plus strand (C>T on the coding strand, the complement: DCHS1 is on the minus strand). VCF-style: chr11-6632329-G-A. GRCh37 (hg19) VCF-style: chr11-6653560-G-A.
Other names: c.3183C>T (NM_003737.3).
Identifiers: ClinVar variation 2995691 (VCV002995691.5), dbSNP rs372469870, ClinGen allele CA5860592.